The following is an entry in ClinVar:

NM_000465.2:c.1776_1777insL1

Gene: BARD1 (BRCA1 associated RING domain 1; minus strand).
Variant type: Insertion.
Identifiers: ClinVar variation 2565207 (VCV002565207.2).

ClinVar aggregate classification (germline): Likely pathogenic (1 of 4 stars; one submission).

Conditions:
Hereditary cancer-predisposing syndrome. Also called: Neoplastic Syndromes, Hereditary; Hereditary Cancer Syndrome; Hereditary neoplastic syndrome; Tumor predisposition. Identifiers: Orphanet 140162, MedGen C0027672, MeSH D009386, MONDO:0015356.

Submission:

Ambry Genetics
Classification: Likely pathogenic for Hereditary cancer-predisposing syndrome. Last evaluated: 2023-06-01. Review status: criteria provided, single submitter. Criteria: Ambry Variant Classification Scheme 2023. Collection method: clinical testing. Allele origin: germline.
Comment: The c.1776_1777insL1 likely pathogenic alteration results from the insertion of a Line1 element between nucleotides 1776 and 1777 in coding exon 8 of the BARD1 gene. Mobile element insertions contribute to pathogenicity by either disrupting the coding sequence or inducing aberrant splicing (Belancio VP et al. Semin. Cancer Biol. 2010 Aug;20:200-10; Deininger P et al. Genome Biol. 2011 Dec;12:236; van der Klift HM Hum Mutat. 2012 Jul;33(7):1051-5). Based on the majority of available evidence to date, this variant is likely to be pathogenic.